The following is an entry in ClinVar:

ClinVar aggregate classification (germline): Uncertain significance. Review status: criteria provided, multiple submitters, no conflicts (2 of 4 stars). 2 submissions from 2 submitters: Uncertain significance (2). Last evaluated 2024-11-22.

Conditions:
Inborn genetic diseases. Identifiers: MedGen C0950123, MeSH D030342.

Allele frequency attached by ClinVar (database versions not stated): TOPMed below 0.00001; gnomAD 0.00001; gnomAD exomes 0.00001; ExAC 0.00002; ESP Exome Variant Server 0.00008.
gnomAD v4.1: 8 of 1,612,494 alleles (0.0005%); highest among the groups gnomAD compares: Non-Finnish European, 0.00068%; no homozygotes.

Submissions (2):

Ambry Genetics
Classification: Uncertain significance for Inborn genetic diseases. Last evaluated: 2024-11-22. Review status: criteria provided, single submitter. Criteria: Ambry Variant Classification Scheme 2023. Collection method: clinical testing. Allele origin: germline.
Comment: The p.C316R variant (also known as c.946T>C), located in coding exon 1 of the SAMD9L gene, results from a T to C substitution at nucleotide position 946. The cysteine at codon 316 is replaced by arginine, an amino acid with highly dissimilar properties. This amino acid position is conserved. In addition, the in silico prediction for this alteration is inconclusive. Based on the available evidence, the clinical significance of this variant remains unclear.

Labcorp Genetics (formerly Invitae), Labcorp
Classification: Uncertain significance. Last evaluated: 2023-11-25. Review status: criteria provided, single submitter. Criteria: Invitae Variant Classification Sherloc (09022015). Collection method: clinical testing. Allele origin: germline.
Comment: This sequence change replaces cysteine, which is neutral and slightly polar, with arginine, which is basic and polar, at codon 316 of the SAMD9L protein (p.Cys316Arg). This variant is present in population databases (rs369696372, gnomAD 0.002%). This variant has not been reported in the literature in individuals affected with SAMD9L-related conditions. An algorithm developed to predict the effect of missense changes on protein structure and function (PolyPhen-2) suggests that this variant is likely to be disruptive. In summary, the available evidence is currently insufficient to determine the role of this variant in disease. Therefore, it has been classified as a Variant of Uncertain Significance.

NM_152703.5(SAMD9L):c.946T>C (p.Cys316Arg)

Gene: SAMD9L (sterile alpha motif domain containing 9 like; minus strand). Cytogenetic location: 7q21.2.
Variant type: single nucleotide variant.
Coding change: c.946T>C on transcript NM_152703.5 (MANE Select); coding-DNA position 946, T replaced by C.
Protein change: p.Cys316Arg; replaces cysteine 316 with arginine.
Molecular consequence: missense variant.
Genome position (GRCh38, 1-based): chr7:93,135,026, A>G on the plus strand (T>C on the coding strand, the complement: SAMD9L is on the minus strand). VCF-style: chr7-93135026-A-G. GRCh37 (hg19) VCF-style: chr7-92764339-A-G.
Other names: c.946T>C (NM_152703.2); c.946T>C, p.Cys316Arg (NM_001303496.3, NM_001303497.3, NM_001303498.3 and 5 more transcripts); short protein forms C316R.
Identifiers: ClinVar variation 2756280 (VCV002756280.4), dbSNP rs369696372, ClinGen allele CA4343788.